The following is an entry in ClinVar:

ClinVar aggregate classification (germline): Uncertain significance. Review status: criteria provided, multiple submitters, no conflicts (2 of 4 stars). 2 submissions from 2 submitters: Uncertain significance (2). Last evaluated 2026-04-02.

Conditions:
Shprintzen-Goldberg syndrome (SGS). Also called: SHPRINTZEN-GOLDBERG CRANIOSYNOSTOSIS SYNDROME; CRANIOSYNOSTOSIS WITH ARACHNODACTYLY AND ABDOMINAL HERNIAS; Marfanoid disorder with craniosynostosis type 1; Marfanoid craniosynostosis syndrome; Shprintzen-Goldberg marfanoid syndrome. Identifiers: Orphanet 2462, MedGen C1321551, MONDO:0008426, OMIM 182212.

Submissions (2):

GeneDx
Classification: Uncertain significance. Last evaluated: 2026-04-02. Review status: criteria provided, single submitter. Criteria: GeneDx Variant Classification Process June 2021. Collection method: clinical testing. Allele origin: germline.
Comment: Not observed at significant frequency in large population cohorts (gnomAD); In silico analysis does not support a benign or deleterious effect of this variant on protein structure/function; Has not been previously published as pathogenic or benign to our knowledge

Labcorp Genetics (formerly Invitae), Labcorp
Classification: Uncertain significance for Shprintzen-Goldberg syndrome. Last evaluated: 2023-08-19. Review status: criteria provided, single submitter. Criteria: Invitae Variant Classification Sherloc (09022015). Collection method: clinical testing. Allele origin: germline.
Comment: In summary, the available evidence is currently insufficient to determine the role of this variant in disease. Therefore, it has been classified as a Variant of Uncertain Significance. An algorithm developed to predict the effect of missense changes on protein structure and function (PolyPhen-2) suggests that this variant is likely to be tolerated. This variant has not been reported in the literature in individuals affected with SKI-related conditions. Information on the frequency of this variant in the gnomAD database is not available, as this variant may be reported differently in the database. This sequence change replaces valine, which is neutral and non-polar, with serine, which is neutral and polar, at codon 64 of the SKI protein (p.Val64Ser).

NM_003036.4(SKI):c.190_191delinsTC (p.Val64Ser)

Gene: SKI (SKI proto-oncogene; plus strand). Cytogenetic location: 1p36.33.
Variant type: Indel.
Coding change: c.190_191delinsTC on transcript NM_003036.4 (MANE Select); coding-DNA positions 190 to 191, GT replaced by TC.
Protein change: p.Val64Ser; replaces valine 64 with serine.
Molecular consequence: missense variant.
Genome position (GRCh38, 1-based): chr1:2,228,956-2,228,957, GT replaced by TC. VCF-style: chr1-2228956-GT-TC. GRCh37 (hg19) VCF-style: chr1-2160395-GT-TC.
Other names: c.190_191delinsTC (NM_003036.3); short protein forms V64S.
Identifiers: ClinVar variation 2781271 (VCV002781271.4), dbSNP rs2527576198, ClinGen allele CA2739272230.
Genomic context (GRCh38, chr1:2,228,956, plus strand): 5'-CAGGAGGCCTACAAGAAGGAGAGCGCCAAGGAGGCGGGCGCGGCCGCGGTGCCGGCGCCG[GT>TC]GCCCGCAGCCACCGAGCCGCCGCCCGTGCTGCACCTGCCCGCCATCCAGCCGCCGCCGCC-3'
Protein context (NP_003027.1, residues 54-74): EAGAAAVPAP[Val64Ser]PAATEPPPVL